The following is an entry in ClinVar:

NM_001244008.2(KIF1A):c.5289T>C (p.His1763=)

Gene: KIF1A (kinesin family member 1A; minus strand). Cytogenetic location: 2q37.3.
Variant type: single nucleotide variant.
Coding change: c.5289T>C on transcript NM_001244008.2 (MANE Select); coding-DNA position 5289, T replaced by C.
Protein change: p.His1763=; no amino-acid change (histidine 1763 retained).
Molecular consequence: synonymous variant.
Genome position (GRCh38, 1-based): chr2:240,718,094, A>G on the plus strand (T>C on the coding strand, the complement: KIF1A is on the minus strand). VCF-style: chr2-240718094-A-G. GRCh37 (hg19) VCF-style: chr2-241657511-A-G.
Other names: c.5013T>C, p.His1671= (NM_001379649.1, NM_001320705.2); c.4986T>C, p.His1662= (NM_001379650.1, NM_001379651.1, NM_001379653.1 and 1 more transcripts); c.5040T>C, p.His1680= (NM_001330289.2); c.5088T>C, p.His1696= (NM_001330290.2, NM_001379648.1); c.5364T>C, p.His1788= (NM_001379631.1); c.5265T>C, p.His1755= (NM_001379632.1); c.5262T>C, p.His1754= (NM_001379633.1, NM_001379645.1); c.5115T>C, p.His1705= (NM_001379634.1); and 8 more.
Identifiers: ClinVar variation 726313 (VCV000726313.14), dbSNP rs768316049, ClinGen allele CA2207116.

ClinVar aggregate classification (germline): Likely benign. Review status: criteria provided, multiple submitters, no conflicts (2 of 4 stars). 3 submissions from 3 submitters: Likely benign (3). Last evaluated 2026-05-01.

Conditions:
Neuropathy, hereditary sensory, type 2C. Also called: KIF1A-Related HSAN2 (HSAN2C); Hereditary sensory and autonomic neuropathy type IIC. Identifiers: Orphanet 970, MedGen C3280168, MONDO:0013634, OMIM 614213.
Intellectual disability, autosomal dominant 9 (NESCAVS). Also called: KIF1A-Related Neurodevelopmental Disorder; NESCAV SYNDROME. Identifiers: Orphanet 662367, MedGen C5393830, MONDO:0013656, OMIM 614255.
Hereditary spastic paraplegia 30. Identifiers: Orphanet 101010, MedGen C5235139, MONDO:0012476.

Allele frequency attached by ClinVar (database versions not stated): gnomAD 0.00001; gnomAD exomes 0.00003 and 0.00007; TOPMed 0.00003; ExAC 0.00014.
gnomAD v4.1: 46 of 1,611,804 alleles (0.0029%); highest among the groups gnomAD compares: Admixed American, 0.0084%; no homozygotes.

Submissions (3):

CeGaT Center for Human Genetics Tuebingen
Classification: Likely benign. Last evaluated: 2026-05-01. Review status: criteria provided, single submitter. Criteria: CeGaT Center For Human Genetics Tuebingen Variant Classification Criteria Version 2. Collection method: clinical testing. Allele origin: germline. Affected: yes. Observed: 1 variant allele.
Comment: KIF1A: BP4, BP7

Labcorp Genetics (formerly Invitae), Labcorp
Classification: Likely benign for Hereditary spastic paraplegia 30; Neuropathy, hereditary sensory, type 2C; Intellectual disability, autosomal dominant 9. Last evaluated: 2025-11-24. Review status: criteria provided, single submitter. Criteria: Invitae Variant Classification Sherloc (09022015). Collection method: clinical testing. Allele origin: germline.

Women's Health and Genetics/Laboratory Corporation of America, LabCorp
Classification: Likely benign. Last evaluated: 2025-11-14. Review status: criteria provided, single submitter. Criteria: LabCorp Variant Classification Summary - May 2015. Collection method: clinical testing. Allele origin: germline.